The following is an entry in ClinVar:

NM_001277115.2(DNAH11):c.2709del (p.Trp904fs)

Gene: DNAH11 (dynein axonemal heavy chain 11; plus strand). Cytogenetic location: 7p15.3.
Variant type: Deletion.
Coding change: c.2709del on transcript NM_001277115.2 (MANE Select); coding-DNA position 2709, one base deleted (C; older notation c.2709delC).
Protein change: p.Trp904fs; shifts the reading frame from tryptophan 904.
Molecular consequence: frameshift variant.
Genome position (GRCh38, 1-based): chr7:21,599,828, C deleted; the last of 2 consecutive C bases (chr7:21,599,827-21,599,828); deleting either gives the same sequence. VCF-style (leftmost placement, unchanged base first): chr7-21599826-AC-A. GRCh37 (hg19) VCF-style: chr7-21639444-AC-A.
Other names: NM_001277115.2:c.2709del; short protein forms W904fs.
Identifiers: ClinVar variation 3776911 (VCV003776911.3).

ClinVar aggregate classification (germline): Pathogenic/Likely pathogenic. Review status: criteria provided, multiple submitters, no conflicts (2 of 4 stars). 3 submissions from 3 submitters: Pathogenic (1); Likely pathogenic (1). 1 of the submissions does not count toward it. Last evaluated 2025-09-30.

Conditions:
Primary ciliary dyskinesia 7. Also called: CILIARY DYSKINESIA, PRIMARY, 7, WITH OR WITHOUT SITUS INVERSUS. Identifiers: Orphanet 244, MedGen C2678473, MONDO:0012748, OMIM 611884.
Kartagener syndrome (CILD1). Also called: CILIARY DYSKINESIA, PRIMARY, 1; CILIARY DYSKINESIA, PRIMARY, 1, WITH OR WITHOUT SITUS INVERSUS; IMMOTILE CILIA SYNDROME; POLYNESIAN BRONCHIECTASIS; Dextrocardia bronchiectasis and sinusitis; SIEWERT SYNDROME. Identifiers: Orphanet 244, MedGen C4551906, MONDO:0009484, OMIM 244400.
Primary ciliary dyskinesia. Also called: Ciliary dyskinesia. Identifiers: Orphanet 244, MedGen C0008780, MONDO:0016575, HP:0012265.

Submissions (3):

Labcorp Genetics (formerly Invitae), Labcorp
Classification: Pathogenic for Primary ciliary dyskinesia. Last evaluated: 2025-09-30. Review status: criteria provided, single submitter. Criteria: Invitae Variant Classification Sherloc (09022015). Collection method: clinical testing. Allele origin: germline.
Comment: This sequence change creates a premature translational stop signal (p.Trp904Glyfs*5) in the DNAH11 gene. It is expected to result in an absent or disrupted protein product. Loss-of-function variants in DNAH11 are known to be pathogenic (PMID: 18022865, 20513915, 22184204). This variant is not present in population databases (gnomAD no frequency). This premature translational stop signal has been observed in individual(s) with DNAH11-related conditions (PMID: 33635012). ClinVar contains an entry for this variant (Variation ID: 3776911). For these reasons, this variant has been classified as Pathogenic.

Broad Center for Mendelian Genomics, Broad Institute of MIT and Harvard
Classification: Likely pathogenic for Primary ciliary dyskinesia 7. Last evaluated: 2025-02-11. Review status: criteria provided, single submitter. Criteria: ACMG Guidelines, 2015. Collection method: curation. Allele origin: germline. Inheritance: Autosomal recessive inheritance.
Comment: The p.Trp904GlyfsTer5 variant in DNAH11 has been reported in 1 individual with primary ciliary dyskinesia (PMID: 33635012), and has been identified in 0.004% (2/44566) of East Asian chromosomes by the Genome Aggregation Database (gnomAD; dbSNP ID: rs1583516007). Although this variant has been seen in the general population in a heterozygous state, its frequency is low enough to be consistent with a recessive carrier frequency. This variant is predicted to cause a frameshift, which alters the protein‚Äôs amino acid sequence beginning at position 904 and leads to a premature termination codon 5 amino acids downstream. This alteration is then predicted to lead to a truncated or absent protein. Loss of function of the DNAH11 gene is an established disease mechanism in autosomal recessive primary ciliary dyskinesia. In summary, although additional studies are required to fully establish its clinical significance, this variant is likely pathogenic for autosomal recessive primary ciliary dyskinesia. ACMG/AMP Criteria applied: PVS1, PM2_supporting (Richards 2015).

Department of General Medicine, School of Medicine, International University of Health and Welfare (IUHW), IUHW Shioya Hospital
Classification: Pathogenic for Kartagener syndrome. Last evaluated: 2021-01-01. Review status: no assertion criteria provided. Collection method: clinical testing. Allele origin: paternal. Inheritance: Autosomal recessive inheritance. Affected: yes. Observed: 1 compound heterozygote. Not counted in ClinVar's aggregate classification.

Literature cited by the submitters: PubMed 18022865 (cited by Labcorp Genetics (formerly Invitae), Labcorp); PubMed 20513915 (cited by Labcorp Genetics (formerly Invitae), Labcorp); PubMed 22184204 (cited by Labcorp Genetics (formerly Invitae), Labcorp); PubMed 33635012 (cited by Labcorp Genetics (formerly Invitae), Labcorp); PubMed 12142464 (cited by Department of General Medicine, School of Medicine, International University of Health and Welfare (IUHW), IUHW Shioya Hospital); PubMed 26909801 (cited by Department of General Medicine, School of Medicine, International University of Health and Welfare (IUHW), IUHW Shioya Hospital).